The following is an entry in ClinVar:

ClinVar aggregate classification (germline): Conflicting classifications of pathogenicity. Review status: criteria provided, conflicting classifications (1 of 4 stars). 5 submissions from 5 submitters: Uncertain significance (4); Likely benign (1). Last evaluated 2026-01-27.

Conditions:
Floating-Harbor syndrome (FLHS). Also called: SRCAP-Related Floating-Harbor Syndrome; Short stature with delayed bone age, expressive language delay, a triangular face with a prominent nose and deep-set eyes; Pelletier-Leisti syndrome. Identifiers: Orphanet 2044, MedGen C0729582, MONDO:0007621, OMIM 136140.
Developmental delay, hypotonia, musculoskeletal defects, and behavioral abnormalities. Identifiers: MedGen C5562012, MONDO:0859202, OMIM 619595.

Allele frequency attached by ClinVar (database versions not stated): ExAC 0.00003; gnomAD exomes 0.00006 and 0.00014; TOPMed 0.00012; gnomAD 0.00013 and 0.00014.
gnomAD v4.1: 216 of 1,613,770 alleles (0.013%); highest among the groups gnomAD compares: Non-Finnish European, 0.017%; no homozygotes.

Submissions (5):

Labcorp Genetics (formerly Invitae), Labcorp
Classification: Uncertain significance. Last evaluated: 2026-01-27. Review status: criteria provided, single submitter. Criteria: Invitae Variant Classification Sherloc (09022015). Collection method: clinical testing. Allele origin: germline.
Comment: This sequence change replaces leucine, which is neutral and non-polar, with phenylalanine, which is neutral and non-polar, at codon 1374 of the SRCAP protein (p.Leu1374Phe). This variant is present in population databases (rs777744269, gnomAD 0.01%). This variant has not been reported in the literature in individuals affected with SRCAP-related conditions. ClinVar contains an entry for this variant (Variation ID: 598465). Invitae Evidence Modeling of protein sequence and biophysical properties (such as structural, functional, and spatial information, amino acid conservation, physicochemical variation, residue mobility, and thermodynamic stability) indicates that this missense variant is not expected to disrupt SRCAP protein function with a negative predictive value of 80%. In summary, the available evidence is currently insufficient to determine the role of this variant in disease. Therefore, it has been classified as a Variant of Uncertain Significance.

CeGaT Center for Human Genetics Tuebingen
Classification: Likely benign. Last evaluated: 2024-07-01. Review status: criteria provided, single submitter. Criteria: CeGaT Center For Human Genetics Tuebingen Variant Classification Criteria Version 2. Collection method: clinical testing. Allele origin: germline. Affected: yes. Observed: 1 variant allele.
Comment: SRCAP: BS1

ARUP Laboratories, Molecular Genetics and Genomics, ARUP Laboratories
Classification: Uncertain significance. Last evaluated: 2023-12-07. Review status: criteria provided, single submitter. Criteria: ARUP Molecular Germline Variant Investigation Process 2024. Collection method: clinical testing. Allele origin: germline.

Fulgent Genetics
Classification: Uncertain significance for Floating-Harbor syndrome; Developmental delay, hypotonia, musculoskeletal defects, and behavioral abnormalities. Last evaluated: 2022-02-26. Review status: criteria provided, single submitter. Criteria: ACMG Guidelines, 2015. Collection method: clinical testing. Allele origin: unknown.

Eurofins Ntd Llc (ga)
Classification: Uncertain significance. Last evaluated: 2018-08-24. Review status: criteria provided, single submitter. Criteria: EGL ClinVar v180209 classification definitions. Collection method: clinical testing. Allele origin: germline. Observed: 1 variant allele, 1 heterozygote.

NM_006662.3(SRCAP):c.4120C>T (p.Leu1374Phe)

Gene: SRCAP (Snf2 related CREBBP activator protein; plus strand). Cytogenetic location: 16p11.2.
Variant type: single nucleotide variant.
Coding change: c.4120C>T on transcript NM_006662.3 (MANE Select); coding-DNA position 4120, C replaced by T.
Protein change: p.Leu1374Phe; replaces leucine 1374 with phenylalanine.
Molecular consequence: missense variant.
Genome position (GRCh38, 1-based): chr16:30,723,190, C>T. VCF-style: chr16-30723190-C-T. GRCh37 (hg19) VCF-style: chr16-30734511-C-T.
Other names: short protein forms L1374F.
Identifiers: ClinVar variation 598465 (VCV000598465.31), dbSNP rs777744269, ClinGen allele CA8011670.